The following is an entry in ClinVar:

ClinVar aggregate classification (germline): Uncertain significance (1 of 4 stars; one submission).

Conditions:
Treacher Collins syndrome 1 (TCS1). Also called: TCOF1-Related Treacher Collins Syndrome. Identifiers: Orphanet 861, MedGen CN315775, MONDO:0007944, OMIM 154500.

Submission:

Labcorp Genetics (formerly Invitae), Labcorp
Classification: Uncertain significance for Treacher Collins syndrome 1. Last evaluated: 2024-03-19. Review status: criteria provided, single submitter. Criteria: Invitae Variant Classification Sherloc (09022015). Collection method: clinical testing. Allele origin: germline.
Comment: This sequence change replaces alanine, which is neutral and non-polar, with valine, which is neutral and non-polar, at codon 293 of the TCOF1 protein (p.Ala293Val). This variant is not present in population databases (gnomAD no frequency). This variant has not been reported in the literature in individuals affected with TCOF1-related conditions. Advanced modeling of protein sequence and biophysical properties (such as structural, functional, and spatial information, amino acid conservation, physicochemical variation, residue mobility, and thermodynamic stability) performed at Invitae indicates that this missense variant is not expected to disrupt TCOF1 protein function with a negative predictive value of 80%. In summary, the available evidence is currently insufficient to determine the role of this variant in disease. Therefore, it has been classified as a Variant of Uncertain Significance.

NM_001371623.1(TCOF1):c.878C>T (p.Ala293Val)

Gene: TCOF1 (treacle ribosome biogenesis factor 1; plus strand). Cytogenetic location: 5q32.
Variant type: single nucleotide variant.
Coding change: c.878C>T on transcript NM_001371623.1 (MANE Select); coding-DNA position 878, C replaced by T.
Protein change: p.Ala293Val; replaces alanine 293 with valine.
Molecular consequence: missense variant.
Genome position (GRCh38, 1-based): chr5:150,374,181, C>T. VCF-style: chr5-150374181-C-T. GRCh37 (hg19) VCF-style: chr5-149753744-C-T.
Other names: c.647C>T, p.Ala216Val (NM_000356.4, NM_001135245.2); c.878C>T, p.Ala293Val (NM_001008657.3, NM_001135243.2, NM_001135244.2 and 1 more transcripts); short protein forms A216V, A293V.
Identifiers: ClinVar variation 3646808 (VCV003646808.2).
Genomic context (GRCh38, chr5:150,374,181, plus strand): 5'-CACCAGAGAGTTTTCACAAGCAGGAGAGCAAGCTGCCCTTTCTTTTTCACCAGGTAAAGG[C>T]CTCTGAAAAAATTCTCCAGGTCAGAGCTGCCTCAGCCCCTGCCAAGGGGACCCCTGGGAA-3'
Protein context (NP_001358552.1, residues 283-303): APAGTRSQVK[Ala293Val]SEKILQVRAA